The following is an entry in ClinVar:

ClinVar aggregate classification (germline): Uncertain significance. Review status: criteria provided, multiple submitters, no conflicts (2 of 4 stars). 4 submissions from 4 submitters: Uncertain significance (4). Last evaluated 2026-08-12.

Conditions:
Developmental and epileptic encephalopathy, 1 (DEE1). Also called: X-linked infantile spasms; West's syndrome; Tonic spasms with clustering, arrest of psychomotor development and hypsarrhythmia on EEG; X-Linked Infantile Spasm Syndrome; OHTAHARA SYNDROME, X-LINKED; INFANTILE SPASM SYNDROME, X-LINKED 1. Identifiers: MedGen C3463992, MONDO:0010632, OMIM 308350. Disease mechanism: loss of function.
Autosomal recessive spinocerebellar ataxia 12. Also called: SPINOCEREBELLAR ATAXIA WITH MENTAL RETARDATION AND EPILEPSY. Identifiers: Orphanet 284282, MedGen C3280452, MONDO:0013687, OMIM 614322.
Inborn genetic diseases. Identifiers: MedGen C0950123, MeSH D030342.
Developmental and epileptic encephalopathy, 28 (DEE28). Also called: Epileptic encephalopathy, early infantile, 28. Identifiers: Orphanet 442835, MedGen C4015519, MONDO:0014533, OMIM 616211.

Allele frequency attached by ClinVar (database versions not stated): TOPMed 0.00010; 1000 Genomes Project 0.00020; 1000 Genomes Project 30x 0.00031.
gnomAD v4.1: 87 of 1,614,100 alleles (0.0054%); highest among the groups gnomAD compares: African/African-American, 0.023%; no homozygotes.

Submissions (4):

GeneDx
Classification: Uncertain significance. Last evaluated: 2026-08-12. Review status: criteria provided, single submitter. Criteria: GeneDx Variant Classification Process June 2021. Collection method: clinical testing. Allele origin: germline.
Comment: In silico analysis supports that this missense variant has a deleterious effect on protein structure/function; Has not been previously published as pathogenic or benign to our knowledge; This variant is associated with the following publications: (PMID: 25411445)

Ambry Genetics
Classification: Uncertain significance for Inborn genetic diseases. Last evaluated: 2025-12-16. Review status: criteria provided, single submitter. Criteria: Ambry Variant Classification Scheme 2023. Collection method: clinical testing. Allele origin: germline.

Labcorp Genetics (formerly Invitae), Labcorp
Classification: Uncertain significance for Developmental and epileptic encephalopathy, 1; Autosomal recessive spinocerebellar ataxia 12. Last evaluated: 2022-07-16. Review status: criteria provided, single submitter. Criteria: Invitae Variant Classification Sherloc (09022015). Collection method: clinical testing. Allele origin: germline.
Comment: This sequence change replaces arginine, which is basic and polar, with cysteine, which is neutral and slightly polar, at codon 188 of the WWOX protein (p.Arg188Cys). This variant is present in population databases (rs199511589, gnomAD 0.02%). This variant has not been reported in the literature in individuals affected with WWOX-related conditions. ClinVar contains an entry for this variant (Variation ID: 540231). Algorithms developed to predict the effect of missense changes on protein structure and function are either unavailable or do not agree on the potential impact of this missense change (SIFT: "Not Available"; PolyPhen-2: "Benign"; Align-GVGD: "Not Available"). In summary, the available evidence is currently insufficient to determine the role of this variant in disease. Therefore, it has been classified as a Variant of Uncertain Significance.

New York Genome Center
Classification: Uncertain significance for Developmental and epileptic encephalopathy, 28. Last evaluated: 2020-07-17. Review status: criteria provided, single submitter. Criteria: NYGC Assertion Criteria 2020. Collection method: clinical testing. Allele origin: germline. Observed: 1 heterozygote. Study: CSER-NYCKidSeq.

NM_016373.4(WWOX):c.562C>T (p.Arg188Cys)

Gene: WWOX (WW domain containing oxidoreductase; plus strand). Cytogenetic location: 16q23.1.
Variant type: single nucleotide variant.
Coding change: c.562C>T on transcript NM_016373.4 (MANE Select); coding-DNA position 562, C replaced by T.
Protein change: p.Arg188Cys; replaces arginine 188 with cysteine.
Molecular consequence: missense variant.
Genome position (GRCh38, 1-based): chr16:78,386,905, C>T. VCF-style: chr16-78386905-C-T. GRCh37 (hg19) VCF-style: chr16-78420802-C-T.
Other names: c.562C>T (NM_016373.2); c.223C>T, p.Arg75Cys (NM_001291997.2); short protein forms R188C, R75C.
Identifiers: ClinVar variation 540231 (VCV000540231.12), dbSNP rs199511589, ClinGen allele CA8183334.